The following is an entry in ClinVar:

ClinVar aggregate classification (germline): Pathogenic. Review status: criteria provided, multiple submitters, no conflicts (2 of 4 stars). 3 submissions from 3 submitters: Pathogenic (2). 1 of the submissions does not count toward it. Last evaluated 2021-05-19.

Conditions:
Hereditary breast ovarian cancer syndrome. Also called: Hereditary breast and ovarian cancer syndrome (HBOC); Breast and ovarian cancer; Hereditary breast and ovarian cancer syndrome; Hereditary breast and ovarian cancer; BRCA1- and BRCA2-Associated Hereditary Breast and Ovarian Cancer; Hereditary breast and/or ovarian cancer syndrome. Identifiers: Orphanet 145, MedGen C0677776, MeSH D061325, MONDO:0003582. Disease mechanism: loss of function.
Breast-ovarian cancer, familial, susceptibility to, 1 (BROVCA1). Also called: BRCA1 Hereditary Breast and Ovarian Cancer; OVARIAN CANCER, SUSCEPTIBILITY TO. Identifiers: Orphanet 145, MedGen C2676676, MONDO:0011450, OMIM 604370. Disease mechanism: loss of function.

gnomAD v4.1: 1 of 1,606,808 alleles (0.000062%); highest among the groups gnomAD compares: Non-Finnish European, 0.000085%; no homozygotes.

Submissions (3):

Labcorp Genetics (formerly Invitae), Labcorp
Classification: Pathogenic for Hereditary breast ovarian cancer syndrome. Last evaluated: 2021-05-19. Review status: criteria provided, single submitter. Criteria: Invitae Variant Classification Sherloc (09022015). Collection method: clinical testing. Allele origin: germline.
Comment: This variant is not present in population databases (ExAC no frequency). For these reasons, this variant has been classified as Pathogenic. Donor and acceptor splice site variants typically lead to a loss of protein function (PMID: 16199547), and loss-of-function variants in BRCA1 are known to be pathogenic (PMID: 20104584). Experimental studies have shown that different variants affecting this nucleotide (c.671-2A>C and c.671-2A>G) disrupt normal splicing and result in aberrant transcripts with one or more exons missing (PMID: 14513821, 24212087). BRCA1 c.671-2A>C is also called IVS10-2A>C in the literature. This suggests that this nucleotide is important for normal RNA splicing, and that other variants at this position may also be pathogenic. This variant, also known as IVS10-2A>T, has not been reported in the literature in individuals with BRCA1-related disease. ClinVar contains an entry for this variant (Variation ID: 267618). This sequence change affects an acceptor splice site in intron 9 of the BRCA1 gene. It is expected to disrupt RNA splicing and likely results in an absent or disrupted protein product.

Consortium of Investigators of Modifiers of BRCA1/2 (CIMBA), c/o University of Cambridge
Classification: Pathogenic for Breast-ovarian cancer, familial, susceptibility to, 1. Last evaluated: 2015-10-02. Review status: criteria provided, single submitter. Criteria: CIMBA Mutation Classification guidelines May 2016. Collection method: clinical testing. Allele origin: germline.

Research Molecular Genetics Laboratory, Women's College Hospital, University of Toronto
Classification: Pathogenic for Hereditary breast ovarian cancer syndrome. Last evaluated: 2014-01-31. Review status: no assertion criteria provided. Collection method: research. Allele origin: germline. Affected: yes. Study: The Canadian Open Genetics Repository (COGR). Not counted in ClinVar's aggregate classification.

Literature cited by the submitters: PubMed 16199547 (cited by Labcorp Genetics (formerly Invitae), Labcorp); PubMed 20104584 (cited by Labcorp Genetics (formerly Invitae), Labcorp); PubMed 14513821 (cited by Labcorp Genetics (formerly Invitae), Labcorp); PubMed 24212087 (cited by Labcorp Genetics (formerly Invitae), Labcorp).

NM_007294.4(BRCA1):c.671-2A>T

Gene: BRCA1 (BRCA1 DNA repair associated; minus strand). Cytogenetic location: 17q21.31.
Variant type: single nucleotide variant.
Coding change: c.671-2A>T on transcript NM_007294.4 (MANE Select); the canonical splice acceptor site of the intron before coding-DNA position 671, A replaced by T.
Molecular consequence: splice acceptor variant. On other transcripts: intron variant (13).
Genome position (GRCh38, 1-based): chr17:43,094,862, T>A on the plus strand (A>T on the coding strand, the complement: BRCA1 is on the minus strand). VCF-style: chr17-43094862-T-A. GRCh37 (hg19) VCF-style: chr17-41246879-T-A.
Other names: c.593-2A>T (NM_001408415.1, NM_001408412.1, NM_001407656.1 and 9 more transcripts); c.461-2A>T (NM_001408483.1, NM_001407885.1, NM_001407886.1 and 25 more transcripts); c.668-2A>T (NM_001407634.1, NM_001407610.1, NM_001408397.1 and 38 more transcripts); c.548-2A>T (NM_001408442.1, NM_001408426.1, NM_001408438.1 and 34 more transcripts); c.671-2A>T (NM_001407982.1, NM_001407970.1, NM_001407621.1 and 53 more transcripts); c.670+984A>T (NM_001408423.1, NM_001408420.1, NM_001408419.1 and 2 more transcripts); c.530-2A>T (NM_001408458.1, NM_001408469.1, NM_001408453.1 and 43 more transcripts); c.-218-2A>T (NM_001407967.1, NM_001407966.1); and 20 more.
Identifiers: ClinVar variation 267618 (VCV000267618.14), dbSNP rs80358108, ClinGen allele CA10600750.
Genomic context (GRCh38, chr17:43,094,862, plus strand): 5'-ATTACTGGGTTGATGATGTTCAGTATTTGTTACATCCGTCTCAGAAAATTCACAAGCAGC[T>A]GAAAATATACAAAAATAACAAGGTACTCAAAAACTGAATTGTCATTAAAAAAATACATAC-3'